The following is an entry in ClinVar:

ClinVar aggregate classification (germline): Uncertain significance (1 of 4 stars; one submission).

Conditions:
Cardiovascular phenotype. Identifiers: MedGen CN230736.

Submission:

Ambry Genetics
Classification: Uncertain significance for Cardiovascular phenotype. Last evaluated: 2023-10-17. Review status: criteria provided, single submitter. Criteria: Ambry Variant Classification Scheme 2023. Collection method: clinical testing. Allele origin: germline.
Comment: The p.E19A variant (also known as c.56A>C), located in coding exon 1 of the ALMS1 gene, results from an A to C substitution at nucleotide position 56. The glutamic acid at codon 19 is replaced by alanine, an amino acid with dissimilar properties. This amino acid position is well conserved in available vertebrate species. In addition, this alteration is predicted to be tolerated by in silico analysis. Since supporting evidence is limited at this time, the clinical significance of this alteration remains unclear.

NM_001378454.1(ALMS1):c.53A>C (p.Glu18Ala)

Gene: ALMS1 (ALMS1 centrosome and basal body associated protein; plus strand). Cytogenetic location: 2p13.1.
Variant type: single nucleotide variant.
Coding change: c.53A>C on transcript NM_001378454.1 (MANE Select); coding-DNA position 53, A replaced by C.
Protein change: p.Glu18Ala; replaces glutamic acid 18 with alanine.
Molecular consequence: missense variant.
Genome position (GRCh38, 1-based): chr2:73,385,921, A>C. VCF-style: chr2-73385921-A-C. GRCh37 (hg19) VCF-style: chr2-73613049-A-C.
Other names: c.56A>C, p.Glu19Ala (NM_015120.4); short protein forms E18A, E19A.
Identifiers: ClinVar variation 3226622 (VCV003226622.1), dbSNP rs1159662032, ClinGen allele CA347250495.